The following is an entry in ClinVar:

NM_004341.5(CAD):c.4771G>A (p.Ala1591Thr)

Gene: CAD (carbamoyl-phosphate synthetase 2, aspartate transcarbamylase, and dihydroorotase; plus strand). Cytogenetic location: 2p23.3.
Variant type: single nucleotide variant.
Coding change: c.4771G>A on transcript NM_004341.5 (MANE Select); coding-DNA position 4771, G replaced by A.
Protein change: p.Ala1591Thr; replaces alanine 1591 with threonine.
Molecular consequence: missense variant.
Genome position (GRCh38, 1-based): chr2:27,238,098, G>A. VCF-style: chr2-27238098-G-A. GRCh37 (hg19) VCF-style: chr2-27460966-G-A.
Other names: c.4582G>A, p.Ala1528Thr (NM_001306079.2); short protein forms A1528T, A1591T.
Identifiers: ClinVar variation 1440230 (VCV001440230.6), dbSNP rs1031988936, ClinGen allele CA44514440.

ClinVar aggregate classification (germline): Uncertain significance (1 of 4 stars; one submission).

Allele frequency attached by ClinVar (database versions not stated): gnomAD 0.00002; TOPMed 0.00002.
gnomAD v4.1: 86 of 1,614,042 alleles (0.0053%); highest among the groups gnomAD compares: Non-Finnish European, 0.0064%; no homozygotes.

Submission:

Labcorp Genetics (formerly Invitae), Labcorp
Classification: Uncertain significance. Last evaluated: 2024-10-23. Review status: criteria provided, single submitter. Criteria: Invitae Variant Classification Sherloc (09022015). Collection method: clinical testing. Allele origin: germline.
Comment: This sequence change replaces alanine, which is neutral and non-polar, with threonine, which is neutral and polar, at codon 1591 of the CAD protein (p.Ala1591Thr). This variant is present in population databases (no rsID available, gnomAD 0.006%). This variant has not been reported in the literature in individuals affected with CAD-related conditions. ClinVar contains an entry for this variant (Variation ID: 1440230). An algorithm developed to predict the effect of missense changes on protein structure and function (PolyPhen-2) suggests that this variant is likely to be disruptive. In summary, the available evidence is currently insufficient to determine the role of this variant in disease. Therefore, it has been classified as a Variant of Uncertain Significance.